The following is an entry in ClinVar:

NM_194248.3(OTOF):c.4822G>T (p.Asp1608Tyr)

Gene: OTOF (otoferlin; minus strand). Cytogenetic location: 2p23.3.
Variant type: single nucleotide variant.
Coding change: c.4822G>T on transcript NM_194248.3 (MANE Select); coding-DNA position 4822, G replaced by T.
Protein change: p.Asp1608Tyr; replaces aspartic acid 1608 with tyrosine.
Molecular consequence: missense variant.
Genome position (GRCh38, 1-based): chr2:26,465,007, C>A on the plus strand (G>T on the coding strand, the complement: OTOF is on the minus strand). VCF-style: chr2-26465007-C-A. GRCh37 (hg19) VCF-style: chr2-26687875-C-A.
Other names: c.4822G>T, p.Asp1608Tyr (NM_001287489.2); c.2521G>T, p.Asp841Tyr (NM_004802.4, NM_194323.3); c.2752G>T, p.Asp918Tyr (NM_194322.3); short protein forms D1608Y, D918Y, D841Y.
Identifiers: ClinVar variation 48241 (VCV000048241.15), dbSNP rs111033425, ClinGen allele CA142901.

ClinVar aggregate classification (germline): Uncertain significance. Review status: criteria provided, multiple submitters, no conflicts (2 of 4 stars). 5 submissions from 5 submitters: Uncertain significance (5). Last evaluated 2025-02-25.

Conditions:
Inborn genetic diseases. Identifiers: MedGen C0950123, MeSH D030342.

Allele frequency attached by ClinVar (database versions not stated): gnomAD below 0.00001 and 0.00003; TOPMed 0.00002; gnomAD exomes 0.00007 and 0.00010; ExAC 0.00011; 1000 Genomes Project 30x 0.00031; 1000 Genomes Project 0.00040.
gnomAD v4.1: 97 of 1,492,064 alleles (0.0065%); highest among the groups gnomAD compares: South Asian, 0.13%; no homozygotes.

Submissions (5):

GeneDx
Classification: Uncertain significance. Last evaluated: 2025-02-25. Review status: criteria provided, single submitter. Criteria: GeneDx Variant Classification Process June 2021. Collection method: clinical testing. Allele origin: germline. Affected: yes.
Comment: In silico analysis supports that this missense variant has a deleterious effect on protein structure/function; Has not been previously published as pathogenic or benign to our knowledge

Blueprint Genetics
Classification: Uncertain significance. Last evaluated: 2023-02-23. Review status: criteria provided, single submitter. Criteria: ACMG Guidelines, 2015. Collection method: clinical testing. Allele origin: germline.

Ambry Genetics
Classification: Uncertain significance for Inborn genetic diseases. Last evaluated: 2022-05-06. Review status: criteria provided, single submitter. Criteria: Ambry Variant Classification Scheme 2023. Collection method: clinical testing. Allele origin: germline.

Labcorp Genetics (formerly Invitae), Labcorp
Classification: Uncertain significance. Last evaluated: 2021-09-24. Review status: criteria provided, single submitter. Criteria: Invitae Variant Classification Sherloc (09022015). Collection method: clinical testing. Allele origin: germline.
Comment: This sequence change replaces aspartic acid with tyrosine at codon 1608 of the OTOF protein (p.Asp1608Tyr). The aspartic acid residue is highly conserved and there is a large physicochemical difference between aspartic acid and tyrosine. This variant is present in population databases (rs111033425, ExAC 0.1%). This variant has not been reported in the literature in individuals with OTOF-related conditions. ClinVar contains an entry for this variant (Variation ID: 48241). Algorithms developed to predict the effect of missense changes on protein structure and function (SIFT, PolyPhen-2, Align-GVGD) all suggest that this variant is likely to be disruptive, but these predictions have not been confirmed by published functional studies and their clinical significance is uncertain. Algorithms developed to predict the effect of sequence changes on RNA splicing suggest that this variant may create or strengthen a splice site, but this prediction has not been confirmed by published transcriptional studies. In summary, the available evidence is currently insufficient to determine the role of this variant in disease. Therefore, it has been classified as a Variant of Uncertain Significance.

Laboratory for Molecular Medicine, Mass General Brigham Personalized Medicine
Classification: Uncertain significance. Last evaluated: 2009-05-26. Review status: criteria provided, single submitter. Criteria: LMM Criteria. Collection method: clinical testing. Allele origin: germline. Observed: 1 variant allele.